The following is an entry in ClinVar:

NM_012469.4(PRPF6):c.2758G>A (p.Ala920Thr)

Gene: PRPF6 (pre-mRNA processing factor 6; plus strand). Cytogenetic location: 20q13.33.
Variant type: single nucleotide variant.
Coding change: c.2758G>A on transcript NM_012469.4 (MANE Select); coding-DNA position 2758, G replaced by A.
Protein change: p.Ala920Thr; replaces alanine 920 with threonine.
Molecular consequence: missense variant.
Genome position (GRCh38, 1-based): chr20:64,032,925, G>A. VCF-style: chr20-64032925-G-A. GRCh37 (hg19) VCF-style: chr20-62664278-G-A.
Other names: short protein forms A920T.
Identifiers: ClinVar variation 1932199 (VCV001932199.5), dbSNP rs766740751, ClinGen allele CA9972597.
Genomic context (GRCh38, chr20:64,032,925, plus strand): 5'-CGCTGTGAGAGTGCAGAGCCTCGGCATGGGGAGCTGTGGTGCGCCGTGTCCAAGGACATC[G>A]CCAACTGGCAGAAGAAGATCGGGGACATCCTTAGGCTGGTGGCCGGCCGCATCAAGAACA-3'
Protein context (NP_036601.2, residues 910-930): ELWCAVSKDI[Ala920Thr]NWQKKIGDIL

ClinVar aggregate classification (germline): Uncertain significance (1 of 4 stars; one submission).

Allele frequency attached by ClinVar (database versions not stated): gnomAD exomes 0.00001; ExAC 0.00002.
gnomAD v4.1: 18 of 1,613,296 alleles (0.0011%); highest among the groups gnomAD compares: South Asian, 0.0088%; no homozygotes.

Submission:

Labcorp Genetics (formerly Invitae), Labcorp
Classification: Uncertain significance. Last evaluated: 2022-04-12. Review status: criteria provided, single submitter. Criteria: Invitae Variant Classification Sherloc (09022015). Collection method: clinical testing. Allele origin: germline.
Comment: Algorithms developed to predict the effect of missense changes on protein structure and function output the following: SIFT: "Tolerated"; PolyPhen-2: "Benign"; Align-GVGD: "Class C0". The threonine amino acid residue is found in multiple mammalian species, which suggests that this missense change does not adversely affect protein function. In summary, the available evidence is currently insufficient to determine the role of this variant in disease. Therefore, it has been classified as a Variant of Uncertain Significance. This variant has not been reported in the literature in individuals affected with PRPF6-related conditions. This variant is present in population databases (rs766740751, gnomAD 0.006%). This sequence change replaces alanine, which is neutral and non-polar, with threonine, which is neutral and polar, at codon 920 of the PRPF6 protein (p.Ala920Thr).